The following is an entry in ClinVar:

ClinVar aggregate classification (germline): Uncertain significance (1 of 4 stars; one submission).

Submission:

Ambry Genetics
Classification: Uncertain significance. Last evaluated: 2025-08-01. Review status: criteria provided, single submitter. Criteria: Ambry Variant Classification Scheme 2023. Collection method: clinical testing. Allele origin: germline.
Comment: The p.R583H variant (also known as c.1748G>A), located in coding exon 18 of the SRP72 gene, results from a G to A substitution at nucleotide position 1748. The arginine at codon 583 is replaced by histidine, an amino acid with highly similar properties. This amino acid position is conserved. In addition, this alteration is predicted to be deleterious by in silico analysis. Based on the available evidence, the clinical significance of this variant remains unclear.

NM_006947.4(SRP72):c.1748G>A (p.Arg583His)

Gene: SRP72 (signal recognition particle 72; plus strand). Cytogenetic location: 4q12.
Variant type: single nucleotide variant.
Coding change: c.1748G>A on transcript NM_006947.4 (MANE Select); coding-DNA position 1748, G replaced by A.
Protein change: p.Arg583His; replaces arginine 583 with histidine.
Molecular consequence: missense variant. On other transcripts: non-coding transcript variant (1).
Genome position (GRCh38, 1-based): chr4:56,500,605, G>A. VCF-style: chr4-56500605-G-A. GRCh37 (hg19) VCF-style: chr4-57366771-G-A.
Other names: c.1565G>A, p.Arg522His (NM_001267722.2); short protein forms R583H, R522H.
Identifiers: ClinVar variation 4174951 (VCV004174951.1).
Genomic context (GRCh38, chr4:56,500,605, plus strand): 5'-CTAAGAATTATGACCCAAAAGTTACCCCAGATCCAGAAAGATGGCTGCCAATGCGAGAAC[G>A]TTCTTACTACCGGGGAAGAAAGAAGGGTAAAAAGAAGGATCAGATTGGAAAAGGGACCCA-3'
Protein context (NP_008878.3, residues 573-593): DPERWLPMRE[Arg583His]SYYRGRKKGK